The following is an entry in ClinVar:

ClinVar aggregate classification (germline): Uncertain significance (1 of 4 stars; one submission).

Allele frequency attached by ClinVar (database versions not stated): gnomAD exomes 0.00001.

Submission:

GeneDx
Classification: Uncertain significance. Last evaluated: 2022-02-24. Review status: criteria provided, single submitter. Criteria: GeneDx Variant Classification Process June 2021. Collection method: clinical testing. Allele origin: germline. Affected: yes.
Comment: Not observed at significant frequency in large population cohorts (gnomAD); In silico analysis supports that this missense variant does not alter protein structure/function; Has not been previously published as pathogenic or benign to our knowledge

NM_007327.4(GRIN1):c.160G>A (p.Gly54Ser)

Gene: GRIN1 (glutamate ionotropic receptor NMDA type subunit 1; plus strand). Cytogenetic location: 9q34.3.
Variant type: single nucleotide variant.
Coding change: c.160G>A on transcript NM_007327.4 (MANE Select); coding-DNA position 160, G replaced by A.
Protein change: p.Gly54Ser; replaces glycine 54 with serine.
Molecular consequence: missense variant.
Genome position (GRCh38, 1-based): chr9:137,139,646, G>A. VCF-style: chr9-137139646-G-A. GRCh37 (hg19) VCF-style: chr9-140034098-G-A.
Other names: c.160G>A, p.Gly54Ser (NM_000832.7, NM_001185090.2, NM_001185091.2 and 1 more transcripts); short protein forms G54S.
Identifiers: ClinVar variation 1703308 (VCV001703308.2), dbSNP rs2538508186, ClinGen allele CA375713270.